The following is an entry in ClinVar:

NM_001365480.1(CCDC88A):c.343G>A (p.Glu115Lys)

Gene: CCDC88A (coiled-coil and HOOK domain protein 88A; minus strand). Cytogenetic location: 2p16.1.
Variant type: single nucleotide variant.
Coding change: c.343G>A on transcript NM_001365480.1 (MANE Select); coding-DNA position 343, G replaced by A.
Protein change: p.Glu115Lys; replaces glutamic acid 115 with lysine.
Molecular consequence: missense variant.
Genome position (GRCh38, 1-based): chr2:55,374,814, C>T on the plus strand (G>A on the coding strand, the complement: CCDC88A is on the minus strand). VCF-style: chr2-55374814-C-T. GRCh37 (hg19) VCF-style: chr2-55601950-C-T.
Other names: c.343G>A, p.Glu115Lys (NM_001135597.2, NM_001254943.2, NM_018084.5); short protein forms E115K.
Identifiers: ClinVar variation 2820838 (VCV002820838.3), dbSNP rs770817058, ClinGen allele CA1666429.

ClinVar aggregate classification (germline): Uncertain significance (1 of 4 stars; one submission).

Allele frequency attached by ClinVar (database versions not stated): ExAC 0.00002.
gnomAD v4.1: 8 of 1,587,184 alleles (0.0005%); highest among the groups gnomAD compares: South Asian, 0.0089%; no homozygotes.

Submission:

Labcorp Genetics (formerly Invitae), Labcorp
Classification: Uncertain significance. Last evaluated: 2024-04-19. Review status: criteria provided, single submitter. Criteria: Invitae Variant Classification Sherloc (09022015). Collection method: clinical testing. Allele origin: germline.
Comment: This sequence change replaces glutamic acid, which is acidic and polar, with lysine, which is basic and polar, at codon 115 of the CCDC88A protein (p.Glu115Lys). This variant also falls at the last nucleotide of exon 4, which is part of the consensus splice site for this exon. This variant is present in population databases (rs770817058, gnomAD 0.02%). This variant has not been reported in the literature in individuals affected with CCDC88A-related conditions. An algorithm developed to predict the effect of missense changes on protein structure and function (PolyPhen-2) suggests that this variant is likely to be disruptive. Variants that disrupt the consensus splice site are a relatively common cause of aberrant splicing (PMID: 17576681, 9536098). In summary, the available evidence is currently insufficient to determine the role of this variant in disease. Therefore, it has been classified as a Variant of Uncertain Significance.

Literature cited by the submitters: PubMed 17576681; PubMed 9536098.